The following is an entry in ClinVar:

ClinVar aggregate classification (germline): Uncertain significance (1 of 4 stars; one submission).

Submission:

Labcorp Genetics (formerly Invitae), Labcorp
Classification: Uncertain significance. Last evaluated: 2023-04-28. Review status: criteria provided, single submitter. Criteria: Invitae Variant Classification Sherloc (09022015). Collection method: clinical testing. Allele origin: germline.
Comment: In summary, the available evidence is currently insufficient to determine the role of this variant in disease. Therefore, it has been classified as a Variant of Uncertain Significance. An algorithm developed to predict the effect of missense changes on protein structure and function (PolyPhen-2) suggests that this variant is likely to be tolerated. This variant has not been reported in the literature in individuals affected with DNM1L-related conditions. This variant is not present in population databases (gnomAD no frequency). This sequence change replaces asparagine, which is neutral and polar, with serine, which is neutral and polar, at codon 113 of the DNM1L protein (p.Asn113Ser).

NM_012062.5(DNM1L):c.338A>G (p.Asn113Ser)

Gene: DNM1L (dynamin 1 like; plus strand). Cytogenetic location: 12p11.21.
Variant type: single nucleotide variant.
Coding change: c.338A>G on transcript NM_012062.5 (MANE Select); coding-DNA position 338, A replaced by G.
Protein change: p.Asn113Ser; replaces asparagine 113 with serine.
Molecular consequence: missense variant. On other transcripts: intron variant (1).
Genome position (GRCh38, 1-based): chr12:32,708,193, A>G. VCF-style: chr12-32708193-A-G. GRCh37 (hg19) VCF-style: chr12-32861127-A-G.
Other names: c.338A>G, p.Asn113Ser (NM_001278463.2, NM_005690.5, NM_012063.4); c.377A>G, p.Asn126Ser (NM_001278464.2, NM_001278465.2, NM_001330380.2); c.131+780A>G (NM_001278466.2); short protein forms N113S, N126S.
Identifiers: ClinVar variation 2859946 (VCV002859946.3), dbSNP rs2541000743, ClinGen allele CA384366194.